The following is an entry in ClinVar:

ClinVar aggregate classification (germline): Uncertain significance (1 of 4 stars; one submission).

Submission:

Quest Diagnostics Nichols Institute San Juan Capistrano
Classification: Uncertain significance. Last evaluated: 2023-08-04. Review status: criteria provided, single submitter. Criteria: Quest Diagnostics criteria. Collection method: clinical testing. Allele origin: unknown.
Comment: To the best of our knowledge, this variant has not been reported in the published literature. It also has not been reported in large, multi-ethnic general populations (Genome Aggregation Database). Analysis of this variant using bioinformatics tools for the prediction of the effect of amino acid changes on protein structure and function yielded predictions that this variant is benign. Based on the available information, we are unable to determine the clinical significance of this variant.

NM_024642.5(GALNT12):c.1552A>T (p.Met518Leu)

Gene: GALNT12 (polypeptide N-acetylgalactosaminyltransferase 12; plus strand). Cytogenetic location: 9q22.33.
Variant type: single nucleotide variant.
Coding change: c.1552A>T on transcript NM_024642.5 (MANE Select); coding-DNA position 1552, A replaced by T.
Protein change: p.Met518Leu; replaces methionine 518 with leucine.
Molecular consequence: missense variant.
Genome position (GRCh38, 1-based): chr9:98,846,070, A>T. VCF-style: chr9-98846070-A-T. GRCh37 (hg19) VCF-style: chr9-101608352-A-T.
Other names: short protein forms M518L.
Identifiers: ClinVar variation 2681951 (VCV002681951.1), dbSNP rs770337578, ClinGen allele CA374221790.